The following is an entry in ClinVar:

NC_000014.8:g.(?_44820816)_(45645917_?)del

Genes: DORIP1 (dopamine receptor interacting protein 1; plus strand), FANCM (FA complementation group M; plus strand), FKBP3 (FKBP prolyl isomerase 3; minus strand), FSCB (fibrous sheath CABYR binding protein; minus strand), KLHL28 (kelch like family member 28; minus strand) and 2 more. Cytogenetic location: 14q21.2.
Variant type: Deletion.
Identifiers: ClinVar variation 2426634 (VCV002426634.4).

ClinVar aggregate classification (germline): Pathogenic (1 of 4 stars; one submission).

Conditions:
Fanconi anemia (FA). Also called: Fanconi's anemia. Identifiers: Orphanet 84, MedGen C0015625, MeSH D005199, MONDO:0019391.

Submission:

Labcorp Genetics (formerly Invitae), Labcorp
Classification: Pathogenic for Fanconi anemia. Last evaluated: 2022-01-06. Review status: criteria provided, single submitter. Criteria: Invitae Variant Classification Sherloc (09022015). Collection method: clinical testing. Allele origin: germline.
Comment: For these reasons, this variant has been classified as Pathogenic. This variant has not been reported in the literature in individuals affected with FANCM-related conditions. This variant results in the deletion of exons 1-13 and a part of exon 14 (c.-784419_3960del) of the FANCM gene. It is expected to result in an absent or disrupted protein product. Loss-of-function variants in FANCM are known to be pathogenic (PMID: 29895858, 30075111).

Literature cited by the submitters: PubMed 29895858; PubMed 30075111.